The following is an entry in ClinVar:

ClinVar aggregate classification (germline): Uncertain significance (1 of 4 stars; one submission).

Conditions:
Hereditary breast ovarian cancer syndrome. Also called: BRCA1- and BRCA2-Associated Hereditary Breast and Ovarian Cancer; Breast and ovarian cancer; Hereditary breast and ovarian cancer; Hereditary breast and ovarian cancer syndrome (HBOC); Hereditary breast and ovarian cancer syndrome; Hereditary breast and/or ovarian cancer syndrome. Identifiers: Orphanet 145, MedGen C0677776, MeSH D061325, MONDO:0003582. Disease mechanism: loss of function.

Submission:

Labcorp Genetics (formerly Invitae), Labcorp
Classification: Uncertain significance for Hereditary breast ovarian cancer syndrome. Last evaluated: 2026-01-26. Review status: criteria provided, single submitter. Criteria: Invitae Variant Classification Sherloc (09022015). Collection method: clinical testing. Allele origin: germline.
Comment: This sequence change falls in intron 17 of the BRCA1 gene. It does not directly change the encoded amino acid sequence of the BRCA1 protein. This variant is not present in population databases (gnomAD no frequency). This variant has not been reported in the literature in individuals affected with BRCA1-related conditions. Experimental studies and prediction algorithms are not available or were not evaluated, and the effect of this variant on mRNA splicing is currently unknown. In summary, the available evidence is currently insufficient to determine the role of this variant in disease. Therefore, it has been classified as a Variant of Uncertain Significance.

NM_007294.4(BRCA1):c.5144_5152+11dup

Gene: BRCA1 (BRCA1 DNA repair associated; minus strand). Cytogenetic location: 17q21.31.
Variant type: Duplication.
Coding change: c.5144_5152+11dup on transcript NM_007294.4 (MANE Select); coding-DNA position 5144 through 11 bases into the intron after coding-DNA position 5152, 20 bases duplicated (GCTATTTCTGTAAGTATAAT).
Molecular consequence: splice donor variant. On other transcripts: intron variant (2).
Genome position (GRCh38, 1-based): chr17:43,063,863-43,063,882, ATTATACTTACAGAAATAGC duplicated on the plus strand (GCTATTTCTGTAAGTATAAT on the coding strand, the reverse complement: BRCA1 is on the minus strand). VCF-style (leftmost placement, unchanged base first): chr17-43063862-T-TATTATACTTACAGAAATAGC. GRCh37 (hg19) VCF-style: chr17-41215879-T-TATTATACTTACAGAAATAGC.
Other names: c.1688_1696+11dup (NM_001408470.1, NM_001408469.1, NM_001408468.1); c.5012_5020+11dup (NM_001407691.1, NM_001407690.1); c.4997_5005+11dup (NM_001407848.1, NM_001407839.1, NM_001407842.1 and 12 more transcripts); c.5015_5023+11dup (NM_001407685.1, NM_001407688.1, NM_001407686.1 and 6 more transcripts); c.5000_5008+11dup (NM_001407745.1, NM_001407737.1, NM_001407746.1 and 21 more transcripts); c.5018_5026+11dup (NM_001407940.1, NM_001407671.1, NM_001407676.1 and 10 more transcripts); c.4880_4888+11dup (NM_001407922.1, NM_001407925.1, NM_001407921.1 and 4 more transcripts); c.5084_5092+11dup (NM_001407649.1); and 73 more.
Identifiers: ClinVar variation 4736205 (VCV004736205.1).